The following is an entry in ClinVar:

NM_007294.4(BRCA1):c.2654del (p.Phe885fs)

Gene: BRCA1 (BRCA1 DNA repair associated; minus strand). Cytogenetic location: 17q21.31.
Variant type: Deletion.
Coding change: c.2654del on transcript NM_007294.4 (MANE Select); coding-DNA position 2654, one base deleted (T; older notation c.2654delT).
Protein change: p.Phe885fs; shifts the reading frame from phenylalanine 885.
Molecular consequence: frameshift variant. On other transcripts: intron variant (137).
Genome position (GRCh38, 1-based): chr17:43,092,877, A deleted on the plus strand (T on the coding strand, the reverse complement: BRCA1 is on the minus strand); the first of 2 consecutive A bases (chr17:43,092,877-43,092,878); deleting either gives the same sequence. VCF-style (leftmost placement, unchanged base first): chr17-43092876-GA-G. GRCh37 (hg19) VCF-style: chr17-41244893-GA-G.
Other names: 2773delT; c.2441del, p.Phe814fs (NM_001407571.1, NM_001407853.1, NM_001407894.1 and 9 more transcripts); c.2654del, p.Phe885fs (NM_001407581.1, NM_001407582.1, NM_001407583.1 and 30 more transcripts); c.2651del, p.Phe884fs (NM_001407587.1, NM_001407590.1, NM_001407591.1 and 22 more transcripts); c.2645del, p.Phe882fs (NM_001407646.1, NM_001407647.1); c.2531del, p.Phe844fs (NM_001407648.1, NM_001407664.1, NM_001407665.1 and 19 more transcripts); c.2528del, p.Phe843fs (NM_001407649.1, NM_001407670.1, NM_001407671.1 and 11 more transcripts); c.2576del, p.Phe859fs (NM_001407653.1, NM_001407654.1, NM_001407655.1 and 4 more transcripts); and 43 more; short protein forms F838fs, F885fs, F757fs, F773fs, F843fs, F858fs, F758fs, F774fs.
Identifiers: ClinVar variation 91595 (VCV000091595.8), dbSNP rs398122663, ClinGen allele CA001737.

ClinVar aggregate classification (germline): Pathogenic. Review status: reviewed by expert panel (3 of 4 stars). 3 submissions from 3 submitters: Pathogenic (1). 2 of the submissions do not count toward it. Last evaluated 2016-09-08.

Conditions:
Hereditary cancer-predisposing syndrome. Also called: Hereditary Cancer Syndrome; Hereditary neoplastic syndrome; Neoplastic Syndromes, Hereditary; Tumor predisposition. Identifiers: Orphanet 140162, MedGen C0027672, MeSH D009386, MONDO:0015356.
Breast-ovarian cancer, familial, susceptibility to, 1 (BROVCA1). Also called: BRCA1 Hereditary Breast and Ovarian Cancer; OVARIAN CANCER, SUSCEPTIBILITY TO. Identifiers: Orphanet 145, MedGen C2676676, MONDO:0011450, OMIM 604370. Disease mechanism: loss of function.

Submissions (3):

Evidence-based Network for the Interpretation of Germline Mutant Alleles (ENIGMA)
Classification: Pathogenic for Breast-ovarian cancer, familial, susceptibility to, 1. Last evaluated: 2016-09-08. Review status: reviewed by expert panel. Criteria: ENIGMA BRCA1/2 Classification Criteria (2015). Collection method: curation. Allele origin: germline.
Comment: Variant allele predicted to encode a truncated non-functional protein.

Ambry Genetics
Classification: Pathogenic for Hereditary cancer-predisposing syndrome. Last evaluated: 2025-05-20. Review status: criteria provided, single submitter. Criteria: Ambry Variant Classification Scheme 2023. Collection method: clinical testing. Allele origin: germline. Not counted in ClinVar's aggregate classification.
Comment: The c.2654delT pathogenic mutation, located in coding exon 9 of the BRCA1 gene, results from a deletion of one nucleotide at nucleotide position 2654, causing a translational frameshift with a predicted alternate stop codon (p.F885Sfs*8). This variant is considered to be rare based on population cohorts in the Genome Aggregation Database (gnomAD). This alteration is expected to result in loss of function by premature protein truncation or nonsense-mediated mRNA decay. As such, this alteration is interpreted as a disease-causing mutation.

Sharing Clinical Reports Project (SCRP)
Classification: Pathogenic for Breast-ovarian cancer, familial 1. Last evaluated: 2007-08-01. Review status: no assertion criteria provided. Collection method: clinical testing. Allele origin: germline. Not counted in ClinVar's aggregate classification.